The following is an entry in ClinVar:

NM_000069.3(CACNA1S):c.3667-3C>T

Gene: CACNA1S (calcium voltage-gated channel subunit alpha1 S; minus strand). Cytogenetic location: 1q32.1.
Variant type: single nucleotide variant.
Coding change: c.3667-3C>T on transcript NM_000069.3 (MANE Select); 3 bases into the intron before coding-DNA position 3667, C replaced by T.
Molecular consequence: intron variant.
Genome position (GRCh38, 1-based): chr1:201,053,590, G>A on the plus strand (C>T on the coding strand, the complement: CACNA1S is on the minus strand). VCF-style: chr1-201053590-G-A. GRCh37 (hg19) VCF-style: chr1-201022718-G-A.
Identifiers: ClinVar variation 3386322 (VCV003386322.2).

ClinVar aggregate classification (germline): Conflicting classifications of pathogenicity. Review status: criteria provided, conflicting classifications (1 of 4 stars). 2 submissions from 2 submitters: Uncertain significance (1); Likely benign (1). Last evaluated 2024-06-18.

Conditions:
Malignant hyperthermia, susceptibility to, 5 (MHS5). Also called: CACNA1S-Related Malignant Hyperthermia Susceptibility. Identifiers: Orphanet 423, MedGen C1866077, MONDO:0011163, OMIM 601887.
Hypokalemic periodic paralysis, type 1. Also called: Hypokalemic Periodic Paralysis Type 1 (AD); HypoPP. Identifiers: Orphanet 681, MedGen C3714580, MONDO:0042979, OMIM 170400.
Congenital myopathy 18. Also called: Myopathy, congenital, due to dihydropyridine receptor defect; DIHYDROPYRIDINE RECEPTOR CONGENITAL MYOPATHY; DHPR CONGENITAL MYOPATHY. Identifiers: MedGen C5830283, MONDO:0859514, OMIM 620246.
Thyrotoxic periodic paralysis, susceptibility to, 1 (TTPP1). Identifiers: Orphanet 79102, MedGen C2749982, MONDO:0008570, OMIM 188580.

gnomAD v4.1: 1 of 1,613,680 alleles (0.000062%); highest among the groups gnomAD compares: Non-Finnish European, 0.000085%; no homozygotes.

Submissions (2):

Fulgent Genetics
Classification: Uncertain significance for Hypokalemic periodic paralysis, type 1; Thyrotoxic periodic paralysis, susceptibility to, 1; Malignant hyperthermia, susceptibility to, 5; Congenital myopathy 18. Last evaluated: 2024-06-18. Review status: criteria provided, single submitter. Criteria: ACMG Guidelines, 2015. Collection method: clinical testing. Allele origin: germline.

All of Us Research Program, National Institutes of Health
Classification: Likely benign for Malignant hyperthermia, susceptibility to, 5. Last evaluated: 2024-02-22. Review status: criteria provided, single submitter. Criteria: ACMG Guidelines, 2015. Collection method: clinical testing. Allele origin: germline. Inheritance: Autosomal dominant inheritance. Observed: 1 variant allele, 1 heterozygote.
Comment: This study involves interpretation of variants in research participants for the purpose of population health screening. Participant phenotype was not available at the time of variant classification. Additional details can be found in publication PMID: 35346344, PMCID: PMC8962531